The following is an entry in ClinVar:

ClinVar aggregate classification (germline): Uncertain significance (1 of 4 stars; one submission).

Conditions:
Cardiomyopathy (CMYO). Also called: Cardiomyopathies. Identifiers: Orphanet 167848, MedGen C0878544, MONDO:0004994, HP:0001638. Inheritance: Various modes of inheritance.

Submission:

Color Diagnostics, LLC DBA Color Health
Classification: Uncertain significance for Cardiomyopathy. Last evaluated: 2025-06-23. Review status: criteria provided, single submitter. Criteria: ACMG Guidelines, 2015. Collection method: clinical testing. Allele origin: germline.
Comment: This missense variant replaces aspartic acid with histidine at codon 4365 of the RYR2 protein. Computational prediction is inconclusive regarding the impact of this variant on protein structure and function. To our knowledge, functional studies have not been reported for this variant. This variant has not been reported in individuals affected with RYR2-related disorders in the literature. This variant has not been identified in the general population by the Genome Aggregation Database (gnomAD). The available evidence is insufficient to determine the role of this variant in disease conclusively. Therefore, this variant is classified as a Variant of Uncertain Significance.

NM_001035.3(RYR2):c.13093G>C (p.Asp4365His)

Genes: RYR2 (ryanodine receptor 2; plus strand), LOC126806068 (BRD4-independent group 4 enhancer GRCh37_chr1:237947411-237948610; plus strand). Cytogenetic location: 1q43.
Variant type: single nucleotide variant.
Coding change: c.13093G>C on transcript NM_001035.3 (MANE Select); coding-DNA position 13093, G replaced by C.
Protein change: p.Asp4365His; replaces aspartic acid 4365 with histidine.
Molecular consequence: missense variant.
Genome position (GRCh38, 1-based): chr1:237,784,805, G>C. VCF-style: chr1-237784805-G-C. GRCh37 (hg19) VCF-style: chr1-237948105-G-C.
Other names: short protein forms D4365H.
Identifiers: ClinVar variation 4757267 (VCV004757267.1).